The following is an entry in ClinVar:

NM_015346.4(ZFYVE26):c.3634del (p.Ala1212fs)

Gene: ZFYVE26 (zinc finger FYVE-type containing 26; minus strand). Cytogenetic location: 14q24.1.
Variant type: Deletion.
Coding change: c.3634del on transcript NM_015346.4 (MANE Select); coding-DNA position 3634, one base deleted (G; older notation c.3634delG).
Protein change: p.Ala1212fs; shifts the reading frame from alanine 1212.
Molecular consequence: frameshift variant.
Genome position (GRCh38, 1-based): chr14:67,783,518, C deleted on the plus strand (G on the coding strand, the reverse complement: ZFYVE26 is on the minus strand). VCF-style (leftmost placement, unchanged base first): chr14-67783517-GC-G. GRCh37 (hg19) VCF-style: chr14-68250234-GC-G.
Other names: short protein forms A1212fs.
Identifiers: ClinVar variation 1725904 (VCV001725904.2), dbSNP rs2502808226, ClinGen allele CA2580088590.
Genomic context (GRCh38, chr14:67,783,517, plus strand): 5'-CAGCAGCAGCTGACGATGACCTGTGGCACACTTAGGCTGAGATTCTCTTGGGCCAGAAGG[GC>G]TGCCAGTCTGGAAGGAGAGAAGCAGAAAGCATACAAGGCCTGAATACACAGGCACCATTA-3'

ClinVar aggregate classification (germline): Likely pathogenic (1 of 4 stars; one submission).

Conditions:
Hereditary spastic paraplegia 15 (SPG15). Also called: SPASTIC PARAPLEGIA 15, AUTOSOMAL RECESSIVE; KJELLIN SYNDROME; SPASTIC PARAPLEGIA AND RETINAL DEGENERATION. Identifiers: Orphanet 100996, MedGen C1849128, MONDO:0010044, OMIM 270700.

Submission:

Myriad Genetics, Inc.
Classification: Likely pathogenic for Hereditary spastic paraplegia 15. Last evaluated: 2022-04-12. Review status: criteria provided, single submitter. Criteria: Myriad Women's Health Autosomal Recessive and X-Linked Classification Criteria (2021). Collection method: clinical testing. Allele origin: unknown.
Comment: NM_015346.3(ZFYVE26):c.3634delG(A1212Pfs*10) is expected to be pathogenic in the context of spastic paraplegia type 15. This variant is predicted to lead to an abnormal or absent protein product due to the creation of a premature termination codon in ZFYVE26, a gene where loss-of-function variants are known to be pathogenic. Please note: this variant was assessed in the context of healthy population screening.